The following is an entry in ClinVar:

ClinVar aggregate classification (germline): Uncertain significance. Review status: criteria provided, multiple submitters, no conflicts (2 of 4 stars). 3 submissions from 3 submitters: Uncertain significance (2). 1 of the submissions does not count toward it. Last evaluated 2025-09-08.

Conditions:
Retinal dystrophy. Also called: Inherited retinal dystrophy. Identifiers: Orphanet 71862, MedGen C0854723, MeSH D058499, MONDO:0019118, HP:0000556.

Submissions (3):

Labcorp Genetics (formerly Invitae), Labcorp
Classification: Uncertain significance. Last evaluated: 2025-09-08. Review status: criteria provided, single submitter. Criteria: Invitae Variant Classification Sherloc (09022015). Collection method: clinical testing. Allele origin: germline.
Comment: This variant, c.2482_2484del, results in the deletion of 1 amino acid(s) of the PDE6B protein (p.Glu828del), but otherwise preserves the integrity of the reading frame. The frequency data for this variant in the population databases is considered unreliable, as metrics indicate poor data quality at this position in the gnomAD database. This variant has not been reported in the literature in individuals affected with PDE6B-related conditions. Experimental studies and prediction algorithms are not available or were not evaluated, and the functional significance of this variant is currently unknown. In summary, the available evidence is currently insufficient to determine the role of this variant in disease. Therefore, it has been classified as a Variant of Uncertain Significance.

Blueprint Genetics
Classification: Uncertain significance. Last evaluated: 2024-05-15. Review status: criteria provided, single submitter. Criteria: ACMG Guidelines, 2015. Collection method: clinical testing. Allele origin: germline.

Institute of Human Genetics, Univ. Regensburg, Univ. Regensburg
Classification: Uncertain significance for Retinal dystrophy. Last evaluated: 2016-01-01. Review status: no assertion criteria provided. Criteria: ACMG Guidelines, 2015. Collection method: clinical testing. Allele origin: germline. Affected: yes. Not counted in ClinVar's aggregate classification.

NM_000283.4(PDE6B):c.2473GAG[3] (p.Glu828del)

Gene: PDE6B (phosphodiesterase 6B; plus strand). Cytogenetic location: 4p16.3.
Variant type: Microsatellite.
Coding change: c.2473GAG[3] on transcript NM_000283.4 (MANE Select); three copies in a row of the 3-base unit GAG starting at c.2473; the reference has four copies in a row; one copy, 3 bases deleted; also written c.2482_2484del.
Protein change: p.Glu828del; deletes glutamic acid 828.
Molecular consequence: inframe deletion. On other transcripts: intron variant (2).
Genome position (GRCh38, 1-based): chr4:667,985-667,987, GAG deleted; deleting any 3 consecutive bases within chr4:667,974-667,987 gives the same sequence; the position shown is the placement nearest the transcript's 3' end. VCF-style (leftmost placement, unchanged base first): chr4-667973-AAGG-A. GRCh37 (hg19) VCF-style: chr4-661762-AAGG-A.
Other names: c.2482_2484del (NM_000283.4); c.2473GAG[3], p.Glu828del (NM_001145291.2); c.1636GAG[3], p.Glu549del (NM_001145292.2, NM_001379246.1, NM_001379247.1); c.1601+33AGG[3] (NM_001350154.3); c.1283+33AGG[3] (NM_001350155.3); short protein forms E828del, E549del.
Identifiers: ClinVar variation 1474130 (VCV001474130.10), dbSNP rs777568669, ClinGen allele CA2795069.